The following is an entry in ClinVar:

ClinVar aggregate classification (germline): Uncertain significance (1 of 4 stars; one submission).

Allele frequency attached by ClinVar (database versions not stated): TOPMed below 0.00001.
gnomAD v4.1: 14 of 1,612,824 alleles (0.00087%); highest among the groups gnomAD compares: Non-Finnish European, 0.0012%; no homozygotes.

Submission:

Labcorp Genetics (formerly Invitae), Labcorp
Classification: Uncertain significance. Last evaluated: 2022-09-10. Review status: criteria provided, single submitter. Criteria: Invitae Variant Classification Sherloc (09022015). Collection method: clinical testing. Allele origin: germline.
Comment: In summary, the available evidence is currently insufficient to determine the role of this variant in disease. Therefore, it has been classified as a Variant of Uncertain Significance. Advanced modeling of protein sequence and biophysical properties (such as structural, functional, and spatial information, amino acid conservation, physicochemical variation, residue mobility, and thermodynamic stability) performed at Invitae indicates that this missense variant is not expected to disrupt COL9A3 protein function. This variant has not been reported in the literature in individuals affected with COL9A3-related conditions. This variant is not present in population databases (gnomAD no frequency). This sequence change replaces proline, which is neutral and non-polar, with threonine, which is neutral and polar, at codon 258 of the COL9A3 protein (p.Pro258Thr).

NM_001853.4(COL9A3):c.772C>A (p.Pro258Thr)

Gene: COL9A3 (collagen type IX alpha 3 chain; plus strand). Cytogenetic location: 20q13.33.
Variant type: single nucleotide variant.
Coding change: c.772C>A on transcript NM_001853.4 (MANE Select); coding-DNA position 772, C replaced by A.
Protein change: p.Pro258Thr; replaces proline 258 with threonine.
Molecular consequence: missense variant.
Genome position (GRCh38, 1-based): chr20:62,826,800, C>A. VCF-style: chr20-62826800-C-A. GRCh37 (hg19) VCF-style: chr20-61458152-C-A.
Other names: short protein forms P258T.
Identifiers: ClinVar variation 1719181 (VCV001719181.5), dbSNP rs762364826, ClinGen allele CA409592292.